The following is an entry in ClinVar:

ClinVar aggregate classification (germline): Uncertain significance (1 of 4 stars; one submission).

Conditions:
Developmental and epileptic encephalopathy, 37 (DEE37). Also called: Epileptic encephalopathy, early infantile, 37. Identifiers: MedGen C4310770, MONDO:0014859, OMIM 616981.

Submission:

Labcorp Genetics (formerly Invitae), Labcorp
Classification: Uncertain significance for Developmental and epileptic encephalopathy, 37. Last evaluated: 2021-10-11. Review status: criteria provided, single submitter. Criteria: Invitae Variant Classification Sherloc (09022015). Collection method: clinical testing. Allele origin: germline.
Comment: This sequence change replaces alanine with glycine at codon 103 of the FRRS1L protein (p.Ala103Gly). The alanine residue is weakly conserved and there is a small physicochemical difference between alanine and glycine. The frequency data for this variant in the population databases is considered unreliable, as metrics indicate insufficient coverage at this position in the ExAC database. This variant has not been reported in the literature in individuals affected with FRRS1L-related conditions. Algorithms developed to predict the effect of missense changes on protein structure and function (SIFT, PolyPhen-2, Align-GVGD) all suggest that this variant is likely to be tolerated. In summary, the available evidence is currently insufficient to determine the role of this variant in disease. Therefore, it has been classified as a Variant of Uncertain Significance.

NM_014334.4(FRRS1L):c.155C>G (p.Ala52Gly)

Gene: FRRS1L (ferric chelate reductase 1 like; minus strand). Cytogenetic location: 9q31.3.
Variant type: single nucleotide variant.
Coding change: c.155C>G on transcript NM_014334.4 (MANE Select); coding-DNA position 155, C replaced by G.
Protein change: p.Ala52Gly; replaces alanine 52 with glycine.
Molecular consequence: missense variant.
Genome position (GRCh38, 1-based): chr9:109,166,984, G>C on the plus strand (C>G on the coding strand, the complement: FRRS1L is on the minus strand). VCF-style: chr9-109166984-G-C. GRCh37 (hg19) VCF-style: chr9-111929264-G-C.
Other names: short protein forms A52G.
Identifiers: ClinVar variation 1475209 (VCV001475209.6), dbSNP rs2118523053, ClinGen allele CA374430394.